The following is an entry in ClinVar:

NM_015046.7(SETX):c.5390G>A (p.Cys1797Tyr)

Gene: SETX (senataxin; minus strand). Cytogenetic location: 9q34.13.
Variant type: single nucleotide variant.
Coding change: c.5390G>A on transcript NM_015046.7 (MANE Select); coding-DNA position 5390, G replaced by A.
Protein change: p.Cys1797Tyr; replaces cysteine 1797 with tyrosine.
Molecular consequence: missense variant.
Genome position (GRCh38, 1-based): chr9:132,300,788, C>T on the plus strand (G>A on the coding strand, the complement: SETX is on the minus strand). VCF-style: chr9-132300788-C-T. GRCh37 (hg19) VCF-style: chr9-135176175-C-T.
Other names: p.Cys1797Tyr; c.5390G>A, p.Cys1797Tyr (NM_001351527.2, NM_001351528.2); short protein forms C1797Y.
Identifiers: ClinVar variation 1878748 (VCV001878748.2), dbSNP rs2538981150, ClinGen allele CA375348289.

ClinVar aggregate classification (germline): Uncertain significance. Review status: criteria provided, multiple submitters, no conflicts (2 of 4 stars). 2 submissions from 2 submitters: Uncertain significance (2). Last evaluated 2024-11-11.

Submissions (2):

Mayo Clinic Laboratories, Mayo Clinic
Classification: Uncertain significance. Last evaluated: 2024-11-11. Review status: criteria provided, single submitter. Criteria: ACMG Guidelines, 2015. Collection method: clinical testing. Allele origin: germline. Observed: 1 variant allele.
Comment: PM2_supporting

GeneDx
Classification: Uncertain significance. Last evaluated: 2022-07-11. Review status: criteria provided, single submitter. Criteria: GeneDx Variant Classification Process June 2021. Collection method: clinical testing. Allele origin: germline. Affected: yes.
Comment: Not observed at significant frequency in large population cohorts (gnomAD); In silico analysis supports that this missense variant has a deleterious effect on protein structure/function; Has not been previously published as pathogenic or benign to our knowledge